The following is an entry in ClinVar:

ClinVar aggregate classification (germline): Uncertain significance (1 of 4 stars; one submission).

Allele frequency attached by ClinVar (database versions not stated): gnomAD 0.00001; gnomAD exomes 0.00001 and 0.00002; ExAC 0.00002.
gnomAD v4.1: 15 of 1,613,524 alleles (0.00093%); highest among the groups gnomAD compares: South Asian, 0.012%; no homozygotes.

Submission:

Labcorp Genetics (formerly Invitae), Labcorp
Classification: Uncertain significance. Last evaluated: 2025-10-12. Review status: criteria provided, single submitter. Criteria: Invitae Variant Classification Sherloc (09022015). Collection method: clinical testing. Allele origin: germline.
Comment: This sequence change replaces proline, which is neutral and non-polar, with leucine, which is neutral and non-polar, at codon 830 of the AP3D1 protein (p.Pro830Leu). This variant is present in population databases (rs767312346, gnomAD 0.01%). This variant has not been reported in the literature in individuals affected with AP3D1-related conditions. ClinVar contains an entry for this variant (Variation ID: 1442853). An algorithm developed to predict the effect of missense changes on protein structure and function (PolyPhen-2) suggests that this variant is likely to be tolerated. In summary, the available evidence is currently insufficient to determine the role of this variant in disease. Therefore, it has been classified as a Variant of Uncertain Significance.

NM_001261826.3(AP3D1):c.2489C>T (p.Pro830Leu)

Gene: AP3D1 (adaptor related protein complex 3 subunit delta 1; minus strand). Cytogenetic location: 19p13.3.
Variant type: single nucleotide variant.
Coding change: c.2489C>T on transcript NM_001261826.3 (MANE Select); coding-DNA position 2489, C replaced by T.
Protein change: p.Pro830Leu; replaces proline 830 with leucine.
Molecular consequence: missense variant.
Genome position (GRCh38, 1-based): chr19:2,114,237, G>A on the plus strand (C>T on the coding strand, the complement: AP3D1 is on the minus strand). VCF-style: chr19-2114237-G-A. GRCh37 (hg19) VCF-style: chr19-2114236-G-A.
Other names: c.2489C>T, p.Pro830Leu (NM_001374799.1, NM_003938.8); short protein forms P830L.
Identifiers: ClinVar variation 1442853 (VCV001442853.8), dbSNP rs767312346, ClinGen allele CA9058835.